The following is an entry in ClinVar:

NM_001999.4(FBN2):c.5548+20T>C

Gene: FBN2 (fibrillin 2; minus strand). Cytogenetic location: 5q23.3.
Variant type: single nucleotide variant.
Coding change: c.5548+20T>C on transcript NM_001999.4 (MANE Select); 20 bases into the intron after coding-DNA position 5548, T replaced by C.
Molecular consequence: intron variant.
Genome position (GRCh38, 1-based): chr5:128,305,803, A>G on the plus strand (T>C on the coding strand, the complement: FBN2 is on the minus strand). VCF-style: chr5-128305803-A-G. GRCh37 (hg19) VCF-style: chr5-127641495-A-G.
Identifiers: ClinVar variation 380760 (VCV000380760.6), dbSNP rs372334617, ClinGen allele CA3394678.

ClinVar aggregate classification (germline): Likely benign. Review status: criteria provided, multiple submitters, no conflicts (2 of 4 stars). 2 submissions from 2 submitters: Likely benign (2). Last evaluated 2025-11-10.

Conditions:
Congenital contractural arachnodactyly (CCA). Also called: BEALS SYNDROME; Arthrogryposis, distal, type 9; Beals-Hecht syndrome. Identifiers: Orphanet 115, MedGen C0220668, MONDO:0007363, OMIM 121050.

Allele frequency attached by ClinVar (database versions not stated): gnomAD exomes 0.00002 and 0.00005; ExAC 0.00003; gnomAD 0.00003; TOPMed 0.00003; ESP Exome Variant Server 0.00008.
gnomAD v4.1: 72 of 1,613,450 alleles (0.0045%); highest among the groups gnomAD compares: Non-Finnish European, 0.0059%; no homozygotes.

Submissions (2):

Labcorp Genetics (formerly Invitae), Labcorp
Classification: Likely benign for Congenital contractural arachnodactyly. Last evaluated: 2025-11-10. Review status: criteria provided, single submitter. Criteria: Invitae Variant Classification Sherloc (09022015). Collection method: clinical testing. Allele origin: germline.

GeneDx
Classification: Likely benign. Last evaluated: 2016-08-15. Review status: criteria provided, single submitter. Criteria: GeneDx Variant Classification (06012015). Collection method: clinical testing. Allele origin: germline. Affected: yes.
Comment: This variant is considered likely benign or benign based on one or more of the following criteria: it is a conservative change, it occurs at a poorly conserved position in the protein, it is predicted to be benign by multiple in silico algorithms, and/or has population frequency not consistent with disease.